The following is an entry in ClinVar:

ClinVar aggregate classification (germline): Conflicting classifications of pathogenicity. Review status: criteria provided, conflicting classifications (1 of 4 stars). 4 submissions from 4 submitters: Uncertain significance (3); Benign (1). Last evaluated 2026-01-15.

Conditions:
Tuberous sclerosis 2 (TSC2). Identifiers: Orphanet 805, MedGen C1860707, MONDO:0013199, OMIM 613254.
Hereditary cancer-predisposing syndrome. Also called: Neoplastic Syndromes, Hereditary; Hereditary Cancer Syndrome; Tumor predisposition; Hereditary neoplastic syndrome. Identifiers: Orphanet 140162, MedGen C0027672, MeSH D009386, MONDO:0015356.
Tuberous sclerosis syndrome (TSC). Also called: Tuberous Sclerosis Complex; Tuberous sclerosis. Identifiers: Orphanet 805, MedGen C0041341, MONDO:0001734.

Allele frequency attached by ClinVar (database versions not stated): gnomAD exomes below 0.00001.

Submissions (4):

Dasa
Classification: Uncertain significance for Tuberous sclerosis 2. Last evaluated: 2026-01-15. Review status: criteria provided, single submitter. Criteria: DASA Assertion Criteria. Collection method: clinical testing. Allele origin: germline.
Comment: NM_000548.5(TSC2):c.98G>A (p.Gly33Asp) is a missense variant that results in the substitution of glycine with aspartic acid. This variant is rare in population databases. The currently available literature and clinical evidence are not sufficient to establish a definitive association between this variant and the reported condition. Therefore, this variant is classified as a variant of uncertain significance.

Labcorp Genetics (formerly Invitae), Labcorp
Classification: Benign for Tuberous sclerosis 2. Last evaluated: 2025-09-24. Review status: criteria provided, single submitter. Criteria: Invitae Variant Classification Sherloc (09022015). Collection method: clinical testing. Allele origin: germline.

Ambry Genetics
Classification: Uncertain significance for Hereditary cancer-predisposing syndrome. Last evaluated: 2024-11-04. Review status: criteria provided, single submitter. Criteria: Ambry Variant Classification Scheme 2023. Collection method: clinical testing. Allele origin: germline.
Comment: The p.G33D variant (also known as c.98G>A), located in coding exon 1 of the TSC2 gene, results from a G to A substitution at nucleotide position 98. The glycine at codon 33 is replaced by aspartic acid, an amino acid with similar properties. This amino acid position is well conserved in available vertebrate species. In addition, this alteration is predicted to be deleterious by in silico analysis. Since supporting evidence is limited at this time, the clinical significance of this alteration remains unclear.

All of Us Research Program, National Institutes of Health
Classification: Uncertain significance for Tuberous sclerosis syndrome. Last evaluated: 2023-12-13. Review status: criteria provided, single submitter. Criteria: ACMG Guidelines, 2015. Collection method: clinical testing. Allele origin: germline. Inheritance: Autosomal dominant inheritance. Observed: 2 variant alleles, 2 heterozygotes.
Comment: This missense variant replaces glycine with aspartic acid at codon 33 of the TSC2 protein. Computational prediction suggests that this variant may not impact protein structure and function (internally defined REVEL score threshold <= 0.5, PMID: 27666373). To our knowledge, functional studies have not been reported for this variant. This variant has not been reported in individuals affected with tuberous sclerosis complex in the literature. This variant has been identified in 1/251274 chromosomes in the general population by the Genome Aggregation Database (gnomAD). The available evidence is insufficient to determine the role of this variant in disease conclusively. Therefore, this variant is classified as a Variant of Uncertain Significance.

This study involves interpretation of variants in research participants for the purpose of population health screening. Participant phenotype was not available at the time of variant classification. Additional details can be found in publication PMID: 35346344, PMCID: PMC8962531

NM_000548.5(TSC2):c.98G>A (p.Gly33Asp)

Gene: TSC2 (TSC complex subunit 2; plus strand). Cytogenetic location: 16p13.3.
Variant type: single nucleotide variant.
Coding change: c.98G>A on transcript NM_000548.5 (MANE Select); coding-DNA position 98, G replaced by A.
Protein change: p.Gly33Asp; replaces glycine 33 with aspartic acid.
Molecular consequence: missense variant. On other transcripts: 5 prime UTR variant (1), intron variant (1).
Genome position (GRCh38, 1-based): chr16:2,048,713, G>A. VCF-style: chr16-2048713-G-A. GRCh37 (hg19) VCF-style: chr16-2098714-G-A.
Other names: c.98G>A, p.Gly33Asp (NM_001077183.3, NM_001114382.3, NM_001318827.2 and 4 more transcripts); c.-129G>A (NM_001318831.2); c.131G>A, p.Gly44Asp (NM_001318832.2); c.-10+648G>A (NM_001318829.2); short protein forms G33D, G44D.
Identifiers: ClinVar variation 535900 (VCV000535900.19), dbSNP rs1352220583, ClinGen allele CA394301452.